The following is an entry in ClinVar:

NM_004177.5(STX3):c.424C>T (p.Arg142Ter)

Gene: STX3 (syntaxin 3; plus strand). Cytogenetic location: 11q12.1.
Variant type: single nucleotide variant.
Coding change: c.424C>T on transcript NM_004177.5 (MANE Select); coding-DNA position 424, C replaced by T.
Protein change: p.Arg142Ter; replaces arginine 142 with a stop codon.
Molecular consequence: nonsense.
Genome position (GRCh38, 1-based): chr11:59,792,173, C>T. VCF-style: chr11-59792173-C-T. GRCh37 (hg19) VCF-style: chr11-59559646-C-T.
Other names: c.424C>T, p.Arg142Ter (NM_001178040.3); short protein forms R142*.
Identifiers: ClinVar variation 2884036 (VCV002884036.3), dbSNP rs372990138, ClinGen allele CA6020877.

ClinVar aggregate classification (germline): Pathogenic (1 of 4 stars; one submission).

Allele frequency attached by ClinVar (database versions not stated): ExAC 0.00001; gnomAD 0.00001; ESP Exome Variant Server 0.00008.
gnomAD v4.1: 8 of 1,613,962 alleles (0.0005%); highest among the groups gnomAD compares: East Asian, 0.0022%; no homozygotes.

Submission:

Labcorp Genetics (formerly Invitae), Labcorp
Classification: Pathogenic. Last evaluated: 2024-01-20. Review status: criteria provided, single submitter. Criteria: Invitae Variant Classification Sherloc (09022015). Collection method: clinical testing. Allele origin: germline.
Comment: This sequence change creates a premature translational stop signal (p.Arg142*) in the STX3 gene. It is expected to result in an absent or disrupted protein product. Loss-of-function variants in STX3 are known to be pathogenic (PMID: 24726755). This variant is present in population databases (rs372990138, gnomAD 0.01%). This premature translational stop signal has been observed in individual(s) with STX3-related conditions (PMID: 30909251). For these reasons, this variant has been classified as Pathogenic.

Literature cited by the submitters: PubMed 24726755; PubMed 30909251.